The following is an entry in ClinVar:

NM_006231.4(POLE):c.4726A>G (p.Lys1576Glu)

Gene: POLE (DNA polymerase epsilon, catalytic subunit; minus strand). Cytogenetic location: 12q24.33.
Variant type: single nucleotide variant.
Coding change: c.4726A>G on transcript NM_006231.4 (MANE Select); coding-DNA position 4726, A replaced by G.
Protein change: p.Lys1576Glu; replaces lysine 1576 with glutamic acid.
Molecular consequence: missense variant.
Genome position (GRCh38, 1-based): chr12:132,642,822, T>C on the plus strand (A>G on the coding strand, the complement: POLE is on the minus strand). VCF-style: chr12-132642822-T-C. GRCh37 (hg19) VCF-style: chr12-133219408-T-C.
Other names: c.4726A>G (NM_006231.2); short protein forms K1576E.
Identifiers: ClinVar variation 3604065 (VCV003604065.3).

ClinVar aggregate classification (germline): Uncertain significance. Review status: criteria provided, multiple submitters, no conflicts (2 of 4 stars). 2 submissions from 2 submitters: Uncertain significance (2). Last evaluated 2025-04-05.

Conditions:
Hereditary cancer-predisposing syndrome. Also called: Tumor predisposition; Hereditary neoplastic syndrome; Neoplastic Syndromes, Hereditary; Hereditary Cancer Syndrome. Identifiers: Orphanet 140162, MedGen C0027672, MeSH D009386, MONDO:0015356.

Submissions (2):

Ambry Genetics
Classification: Uncertain significance for Hereditary cancer-predisposing syndrome. Last evaluated: 2025-04-05. Review status: criteria provided, single submitter. Criteria: Ambry Variant Classification Scheme 2023. Collection method: clinical testing. Allele origin: germline.
Comment: The p.K1576E variant (also known as c.4726A>G), located in coding exon 36 of the POLE gene, results from an A to G substitution at nucleotide position 4726. The lysine at codon 1576 is replaced by glutamic acid, an amino acid with similar properties. This amino acid position is conserved. In addition, the in silico prediction for this alteration is inconclusive. Based on the available evidence, the clinical significance of this variant remains unclear.

Labcorp Genetics (formerly Invitae), Labcorp
Classification: Uncertain significance. Last evaluated: 2024-04-10. Review status: criteria provided, single submitter. Criteria: Invitae Variant Classification Sherloc (09022015). Collection method: clinical testing. Allele origin: germline.
Comment: This sequence change replaces lysine, which is basic and polar, with glutamic acid, which is acidic and polar, at codon 1576 of the POLE protein (p.Lys1576Glu). This variant is not present in population databases (gnomAD no frequency). This variant has not been reported in the literature in individuals affected with POLE-related conditions. An algorithm developed to predict the effect of missense changes on protein structure and function (PolyPhen-2) suggests that this variant is likely to be disruptive. In summary, the available evidence is currently insufficient to determine the role of this variant in disease. Therefore, it has been classified as a Variant of Uncertain Significance.